The following is an entry in ClinVar:

ClinVar aggregate classification (germline): Uncertain significance (1 of 4 stars; one submission).

Conditions:
Inborn genetic diseases. Identifiers: MedGen C0950123, MeSH D030342.

Allele frequency attached by ClinVar (database versions not stated): gnomAD exomes 0.00001.

Submission:

Ambry Genetics
Classification: Uncertain significance for Inborn genetic diseases. Last evaluated: 2023-04-22. Review status: criteria provided, single submitter. Criteria: Ambry Variant Classification Scheme 2023. Collection method: clinical testing. Allele origin: germline.
Comment: The p.L827F variant (also known as c.2479C>T), located in coding exon 16 of the EPAS1 gene, results from a C to T substitution at nucleotide position 2479. The leucine at codon 827 is replaced by phenylalanine, an amino acid with highly similar properties. This amino acid position is conserved. In addition, the in silico prediction for this alteration is inconclusive. Since supporting evidence is limited at this time, the clinical significance of this alteration remains unclear.

NM_001430.5(EPAS1):c.2479C>T (p.Leu827Phe)

Gene: EPAS1 (endothelial PAS domain protein 1; plus strand). Cytogenetic location: 2p21.
Variant type: single nucleotide variant.
Coding change: c.2479C>T on transcript NM_001430.5 (MANE Select); coding-DNA position 2479, C replaced by T.
Protein change: p.Leu827Phe; replaces leucine 827 with phenylalanine.
Molecular consequence: missense variant.
Genome position (GRCh38, 1-based): chr2:46,384,526, C>T. VCF-style: chr2-46384526-C-T. GRCh37 (hg19) VCF-style: chr2-46611665-C-T.
Other names: short protein forms L827F.
Identifiers: ClinVar variation 2565062 (VCV002565062.2), dbSNP rs2546483584, ClinGen allele CA346706964.